The following is an entry in ClinVar:

NM_001384732.1(CPLANE1):c.2628_2635dup (p.Cys879fs)

Gene: CPLANE1 (ciliogenesis and planar polarity effector complex subunit 1; minus strand). Cytogenetic location: 5p13.2.
Variant type: Duplication.
Coding change: c.2628_2635dup on transcript NM_001384732.1 (MANE Select); coding-DNA positions 2628 to 2635, 8 bases duplicated (CTTATACT; older notation c.2628_2635dupCTTATACT).
Protein change: p.Cys879fs; shifts the reading frame from cysteine 879.
Molecular consequence: frameshift variant.
Genome position (GRCh38, 1-based): chr5:37,221,435-37,221,442, AGTATAAG duplicated on the plus strand (CTTATACT on the coding strand, the reverse complement: CPLANE1 is on the minus strand); duplicating any 8 consecutive bases within chr5:37,221,435-37,221,444 gives the same sequence; the c. name uses the placement nearest the transcript's 3' end. VCF-style (leftmost placement, unchanged base first): chr5-37221434-C-CAGTATAAG. GRCh37 (hg19) VCF-style: chr5-37221536-C-CAGTATAAG.
Other names: c.2628_2635dup, p.Cys879fs (NM_023073.4); short protein forms C879fs.
Identifiers: ClinVar variation 4698366 (VCV004698366.1).

ClinVar aggregate classification (germline): Pathogenic (1 of 4 stars; one submission).

Submission:

Labcorp Genetics (formerly Invitae), Labcorp
Classification: Pathogenic. Last evaluated: 2025-12-07. Review status: criteria provided, single submitter. Criteria: Invitae Variant Classification Sherloc (09022015). Collection method: clinical testing. Allele origin: germline.
Comment: This sequence change creates a premature translational stop signal (p.Cys879Serfs*11) in the CPLANE1 gene. It is expected to result in an absent or disrupted protein product. Loss-of-function variants in CPLANE1 are known to be pathogenic (PMID: 24178751, 26092869). This variant is not present in population databases (gnomAD no frequency). This variant has not been reported in the literature in individuals affected with CPLANE1-related conditions. For these reasons, this variant has been classified as Pathogenic.

Literature cited by the submitters: PubMed 24178751; PubMed 26092869.